The following is an entry in ClinVar:

NM_201384.3(PLEC):c.3029C>T (p.Pro1010Leu)

Gene: PLEC (plectin; minus strand). Cytogenetic location: 8q24.3.
Variant type: single nucleotide variant.
Coding change: c.3029C>T on transcript NM_201384.3 (MANE Select); coding-DNA position 3029, C replaced by T.
Protein change: p.Pro1010Leu; replaces proline 1010 with leucine.
Molecular consequence: missense variant.
Genome position (GRCh38, 1-based): chr8:143,929,466, G>A on the plus strand (C>T on the coding strand, the complement: PLEC is on the minus strand). VCF-style: chr8-143929466-G-A. GRCh37 (hg19) VCF-style: chr8-145003634-G-A.
Other names: c.3110C>T, p.Pro1037Leu (NM_000445.5); c.2987C>T, p.Pro996Leu (NM_201378.4); c.2963C>T, p.Pro988Leu (NM_201379.3); c.3440C>T, p.Pro1147Leu (NM_201380.4); c.2933C>T, p.Pro978Leu (NM_201381.3); c.3029C>T, p.Pro1010Leu (NM_201382.4); c.3041C>T, p.Pro1014Leu (NM_201383.3); c.3110C>T (NM_000445.3); short protein forms P1010L, P1014L, P988L, P1037L, P1147L, P978L, P996L.
Identifiers: ClinVar variation 471568 (VCV000471568.10), dbSNP rs782808621, ClinGen allele CA4927253.

ClinVar aggregate classification (germline): Uncertain significance. Review status: criteria provided, multiple submitters, no conflicts (2 of 4 stars). 3 submissions from 3 submitters: Uncertain significance (3). Last evaluated 2025-12-29.

Conditions:
PLEC-related disorder. Also called: PLEC-related disorders; PLEC-related condition.
Autosomal recessive limb-girdle muscular dystrophy type 2Q (LGMDR17). Also called: MUSCULAR DYSTROPHY, LIMB-GIRDLE, AUTOSOMAL RECESSIVE 17. Identifiers: Orphanet 254361, MedGen C3150989, MONDO:0013390, OMIM 613723.
Epidermolysis bullosa simplex with nail dystrophy (EBS5D). Identifiers: MedGen C4225309, MONDO:0014661, OMIM 616487.
Epidermolysis bullosa simplex 5C, with pyloric atresia (EBS5C). Also called: PLEC-Related Epidermolysis Bullosa with Pyloric Atresia; Epidermolysis bullosa simplex with pyloric atresia; PLEC1-Related Epidermolysis Bullosa with Pyloric Atresia. Identifiers: Orphanet 158684, MedGen C2677349, MONDO:0012807, OMIM 612138.
Epidermolysis bullosa simplex, Ogna type (EBS5A). Also called: Pidermolysis bullosa simplex 5A, Ogna type; EPIDERMOLYSIS BULLOSA SIMPLEX 5A, OGNA TYPE. Identifiers: Orphanet 79401, MedGen C0432317, MONDO:0007555, OMIM 131950.
Epidermolysis bullosa simplex 5B, with muscular dystrophy (EBS5B). Also called: EPIDERMOLYSIS BULLOSA SIMPLEX AND LIMB-GIRDLE MUSCULAR DYSTROPHY; Epidermolysis bullosa simplex with muscular dystrophy. Identifiers: Orphanet 257, MedGen C2931072, MONDO:0009181, OMIM 226670.
Inborn genetic diseases. Identifiers: MedGen C0950123, MeSH D030342.

Allele frequency attached by ClinVar (database versions not stated): TOPMed 0.00002; gnomAD 0.00003; gnomAD exomes 0.00003 and 0.00004; ExAC 0.00005.
gnomAD v4.1: 46 of 1,596,992 alleles (0.0029%); highest among the groups gnomAD compares: East Asian, 0.063%; no homozygotes.

Submissions (3):

PreventionGenetics, part of Exact Sciences
Classification: Uncertain significance for PLEC-related condition. Last evaluated: 2025-12-29. Review status: criteria provided, single submitter. Criteria: ACMG Guidelines, 2015. Collection method: clinical testing. Allele origin: germline.
Comment: The PLEC c.3110C>T variant is predicted to result in the amino acid substitution p.Pro1037Leu. To our knowledge, this variant has not been reported in the literature. This variant is reported in 0.040% of alleles in individuals of East Asian descent in gnomAD. At this time, the clinical significance of this variant is uncertain due to the absence of conclusive functional and genetic evidence.

Ambry Genetics
Classification: Uncertain significance for Inborn genetic diseases. Last evaluated: 2025-01-23. Review status: criteria provided, single submitter. Criteria: Ambry Variant Classification Scheme 2023. Collection method: clinical testing. Allele origin: germline.

Labcorp Genetics (formerly Invitae), Labcorp
Classification: Uncertain significance for Autosomal recessive limb-girdle muscular dystrophy type 2Q; Epidermolysis bullosa simplex, Ogna type; Epidermolysis bullosa simplex with nail dystrophy; Epidermolysis bullosa simplex 5C, with pyloric atresia; Epidermolysis bullosa simplex 5B, with muscular dystrophy. Last evaluated: 2022-11-15. Review status: criteria provided, single submitter. Criteria: Invitae Variant Classification Sherloc (09022015). Collection method: clinical testing. Allele origin: germline.
Comment: In summary, the available evidence is currently insufficient to determine the role of this variant in disease. Therefore, it has been classified as a Variant of Uncertain Significance. Advanced modeling of protein sequence and biophysical properties (such as structural, functional, and spatial information, amino acid conservation, physicochemical variation, residue mobility, and thermodynamic stability) performed at Invitae indicates that this missense variant is not expected to disrupt PLEC protein function. ClinVar contains an entry for this variant (Variation ID: 471568). This variant has not been reported in the literature in individuals affected with PLEC-related conditions. This variant is present in population databases (rs782808621, gnomAD 0.04%). This sequence change replaces proline, which is neutral and non-polar, with leucine, which is neutral and non-polar, at codon 1037 of the PLEC protein (p.Pro1037Leu).